The following is an entry in ClinVar:

NM_033305.3(VPS13A):c.3761dup (p.Pro1255fs)

Gene: VPS13A (vacuolar protein sorting 13 homolog A; plus strand). Cytogenetic location: 9q21.2.
Variant type: Duplication.
Coding change: c.3761dup on transcript NM_033305.3 (MANE Select); coding-DNA position 3761, one base duplicated (C; older notation c.3761dupC).
Protein change: p.Pro1255fs; shifts the reading frame from proline 1255.
Molecular consequence: frameshift variant.
Genome position (GRCh38, 1-based): chr9:77,295,795, C duplicated; the last of 5 consecutive C bases (chr9:77,295,791-77,295,795); duplicating any one gives the same sequence. VCF-style (leftmost placement, unchanged base first): chr9-77295790-T-TC. GRCh37 (hg19) VCF-style: chr9-79910706-T-TC.
Other names: c.3644dup, p.Pro1216fs (NM_001018037.2); c.3761dup, p.Pro1255fs (NM_001018038.3, NM_015186.4); short protein forms P1216fs, P1255fs.
Identifiers: ClinVar variation 1451324 (VCV001451324.6), dbSNP rs2131376583, ClinGen allele CA2573144723.

ClinVar aggregate classification (germline): Pathogenic (1 of 4 stars; one submission).

Submission:

Labcorp Genetics (formerly Invitae), Labcorp
Classification: Pathogenic. Last evaluated: 2021-11-15. Review status: criteria provided, single submitter. Criteria: Invitae Variant Classification Sherloc (09022015). Collection method: clinical testing. Allele origin: germline.
Comment: For these reasons, this variant has been classified as Pathogenic. This variant has not been reported in the literature in individuals affected with VPS13A-related conditions. This variant is not present in population databases (gnomAD no frequency). This sequence change creates a premature translational stop signal (p.Pro1255Thrfs*4) in the VPS13A gene. It is expected to result in an absent or disrupted protein product. Loss-of-function variants in VPS13A are known to be pathogenic (PMID: 12404112, 21598378).

Literature cited by the submitters: PubMed 12404112; PubMed 21598378.